The following is an entry in ClinVar:

ClinVar aggregate classification (germline): Pathogenic (1 of 4 stars; one submission).

Conditions:
Neurofibromatosis, type 1 (NF1). Also called: Peripheral type neurofibromatosis; NEUROFIBROMATOSIS, TYPE I, SOMATIC; VON RECKLINGHAUSEN DISEASE; Neurofibromatosis, type I. Identifiers: Orphanet 636, MedGen C0027831, MONDO:0018975, OMIM 162200. Disease mechanism: loss of function.

Submission:

Labcorp Genetics (formerly Invitae), Labcorp
Classification: Pathogenic for Neurofibromatosis, type 1. Last evaluated: 2022-02-20. Review status: criteria provided, single submitter. Criteria: Invitae Variant Classification Sherloc (09022015). Collection method: clinical testing. Allele origin: germline.
Comment: This sequence change creates a premature translational stop signal (p.Ser1449Lysfs*4) in the NF1 gene. It is expected to result in an absent or disrupted protein product. Loss-of-function variants in NF1 are known to be pathogenic (PMID: 10712197, 23913538). This variant is not present in population databases (gnomAD no frequency). This variant has not been reported in the literature in individuals affected with NF1-related conditions. For these reasons, this variant has been classified as Pathogenic.

Literature cited by the submitters: PubMed 10712197; PubMed 23913538.

NM_001042492.3(NF1):c.4408dup (p.Ser1470fs)

Gene: NF1 (neurofibromin 1; plus strand). Cytogenetic location: 17q11.2.
Variant type: Duplication.
Coding change: c.4408dup on transcript NM_001042492.3 (MANE Select); coding-DNA position 4408, one base duplicated (A; older notation c.4408dupA).
Protein change: p.Ser1470fs; shifts the reading frame from serine 1470.
Molecular consequence: frameshift variant.
Genome position (GRCh38, 1-based): chr17:31,259,107, A duplicated; the last of 4 consecutive A bases (chr17:31,259,104-31,259,107); duplicating any one gives the same sequence. VCF-style (leftmost placement, unchanged base first): chr17-31259103-G-GA. GRCh37 (hg19) VCF-style: chr17-29586121-G-GA.
Other names: c.4345dup, p.Ser1449Lysfs (NM_000267.4); short protein forms S1470fs, S1449fs.
Identifiers: ClinVar variation 2099952 (VCV002099952.4), dbSNP rs2508414138, ClinGen allele CA2580093043.